The following is an entry in ClinVar:

NM_194248.3(OTOF):c.46del (p.Arg16fs)

Gene: OTOF (otoferlin; minus strand). Cytogenetic location: 2p23.3.
Variant type: Deletion.
Coding change: c.46del on transcript NM_194248.3 (MANE Select); coding-DNA position 46, one base deleted (A; older notation c.46delA).
Protein change: p.Arg16fs; shifts the reading frame from arginine 16.
Molecular consequence: frameshift variant.
Genome position (GRCh38, 1-based): chr2:26,558,526, T deleted on the plus strand (A on the coding strand, the reverse complement: OTOF is on the minus strand). VCF-style (leftmost placement, unchanged base first): chr2-26558525-CT-C. GRCh37 (hg19) VCF-style: chr2-26781393-CT-C.
Other names: c.46del, p.Arg16fs (NM_001287489.2); short protein forms R16fs.
Identifiers: ClinVar variation 2988289 (VCV002988289.3), dbSNP rs2465492004, ClinGen allele CA425206502.

ClinVar aggregate classification (germline): Pathogenic (1 of 4 stars; one submission).

Allele frequency attached by ClinVar (database versions not stated): gnomAD exomes below 0.00001.

Submission:

Labcorp Genetics (formerly Invitae), Labcorp
Classification: Pathogenic. Last evaluated: 2024-02-03. Review status: criteria provided, single submitter. Criteria: Invitae Variant Classification Sherloc (09022015). Collection method: clinical testing. Allele origin: germline.
Comment: This sequence change creates a premature translational stop signal (p.Arg16Glyfs*8) in the OTOF gene. It is expected to result in an absent or disrupted protein product. Loss-of-function variants in OTOF are known to be pathogenic (PMID: 18381613, 19250381, 22575033). This variant is not present in population databases (gnomAD no frequency). This variant has not been reported in the literature in individuals affected with OTOF-related conditions. Algorithms developed to predict the effect of sequence changes on RNA splicing suggest that this variant may disrupt the consensus splice site. For these reasons, this variant has been classified as Pathogenic.

Literature cited by the submitters: PubMed 18381613; PubMed 19250381; PubMed 22575033.